The following is an entry in ClinVar:

NM_152641.4(ARID2):c.300C>T (p.Tyr100=)

Gene: ARID2 (AT-rich interaction domain 2; plus strand). Cytogenetic location: 12q12.
Variant type: single nucleotide variant.
Coding change: c.300C>T on transcript NM_152641.4 (MANE Select); coding-DNA position 300, C replaced by T.
Protein change: p.Tyr100=; no amino-acid change (tyrosine 100 retained).
Molecular consequence: synonymous variant.
Genome position (GRCh38, 1-based): chr12:45,811,433, C>T. VCF-style: chr12-45811433-C-T. GRCh37 (hg19) VCF-style: chr12-46205216-C-T.
Other names: c.300C>T, p.Tyr100= (NM_001347839.2).
Identifiers: ClinVar variation 4533827 (VCV004533827.6).

ClinVar aggregate classification (germline): Likely benign (1 of 4 stars; one submission).

gnomAD v4.1: 48 of 1,611,090 alleles (0.003%); highest among the groups gnomAD compares: South Asian, 0.026%; no homozygotes.

Submission:

CeGaT Center for Human Genetics Tuebingen
Classification: Likely benign. Last evaluated: 2025-10-01. Review status: criteria provided, single submitter. Criteria: CeGaT Center For Human Genetics Tuebingen Variant Classification Criteria Version 2. Collection method: clinical testing. Allele origin: germline. Affected: yes. Observed: 1 variant allele.
Comment: ARID2: BP4, BP7